The following is an entry in ClinVar:

ClinVar aggregate classification (germline): Uncertain significance (1 of 4 stars; one submission).

Submission:

Labcorp Genetics (formerly Invitae), Labcorp
Classification: Uncertain significance. Last evaluated: 2024-04-25. Review status: criteria provided, single submitter. Criteria: Invitae Variant Classification Sherloc (09022015). Collection method: clinical testing. Allele origin: germline.
Comment: This sequence change replaces valine, which is neutral and non-polar, with alanine, which is neutral and non-polar, at codon 156 of the COL11A2 protein (p.Val156Ala). This variant is not present in population databases (gnomAD no frequency). This variant has not been reported in the literature in individuals affected with COL11A2-related conditions. Advanced modeling of protein sequence and biophysical properties (such as structural, functional, and spatial information, amino acid conservation, physicochemical variation, residue mobility, and thermodynamic stability) performed at Invitae indicates that this missense variant is not expected to disrupt COL11A2 protein function with a negative predictive value of 95%. In summary, the available evidence is currently insufficient to determine the role of this variant in disease. Therefore, it has been classified as a Variant of Uncertain Significance.

NM_080680.3(COL11A2):c.467T>C (p.Val156Ala)

Gene: COL11A2 (collagen type XI alpha 2 chain; minus strand). Cytogenetic location: 6p21.32.
Variant type: single nucleotide variant.
Coding change: c.467T>C on transcript NM_080680.3 (MANE Select); coding-DNA position 467, T replaced by C.
Protein change: p.Val156Ala; replaces valine 156 with alanine.
Molecular consequence: missense variant. On other transcripts: non-coding transcript variant (1), 5 prime UTR variant (3).
Genome position (GRCh38, 1-based): chr6:33,188,501, A>G on the plus strand (T>C on the coding strand, the complement: COL11A2 is on the minus strand). VCF-style: chr6-33188501-A-G. GRCh37 (hg19) VCF-style: chr6-33156278-A-G.
Other names: c.467T>C, p.Val156Ala (NM_080679.3, NM_080681.3, NM_001163771.2 and 1 more transcripts); c.-380T>C (NM_001424109.1, NM_001424110.1, NM_001424111.1); short protein forms V156A.
Identifiers: ClinVar variation 3635266 (VCV003635266.2).